The following is an entry in ClinVar:

ClinVar aggregate classification (germline): Uncertain significance (1 of 4 stars; one submission).

Conditions:
Retinoblastoma (RB1). Also called: RETINOBLASTOMA, SOMATIC. Identifiers: Orphanet 790, MedGen C0035335, MeSH D012175, MONDO:0008380, OMIM 180200, HP:0009919. Disease mechanism: loss of function. Inheritance: Both sporadic and heritable forms are tested..

Submission:

Labcorp Genetics (formerly Invitae), Labcorp
Classification: Uncertain significance for Retinoblastoma. Last evaluated: 2024-04-10. Review status: criteria provided, single submitter. Criteria: Invitae Variant Classification Sherloc (09022015). Collection method: clinical testing. Allele origin: germline.
Comment: This variant occurs in a non-coding region of the RB1 gene. It does not change the encoded amino acid sequence of the RB1 protein. This variant is not present in population databases (gnomAD no frequency). This variant has not been reported in the literature in individuals affected with RB1-related conditions. Experimental studies and prediction algorithms are not available or were not evaluated, and the functional significance of this variant is currently unknown. In summary, the available evidence is currently insufficient to determine the role of this variant in disease. Therefore, it has been classified as a Variant of Uncertain Significance.

NC_000013.11:g.48303681G>A

Genes: RB1 (RB transcriptional corepressor 1; plus strand), RB1-DT (RB1 divergent transcript; minus strand). Cytogenetic location: 13q14.2.
Variant type: single nucleotide variant.
Molecular consequence: non-coding transcript variant (on NR_046414.2).
Genome position: GRCh38 VCF-style: chr13-48303681-G-A. GRCh37 (hg19) VCF-style: chr13-48877817-G-A.
Identifiers: ClinVar variation 3729419 (VCV003729419.2).